The following is an entry in ClinVar:

NM_153033.5(KCTD7):c.190A>G (p.Thr64Ala)

Gene: KCTD7 (potassium channel tetramerization domain containing 7; plus strand). Cytogenetic location: 7q11.21.
Variant type: single nucleotide variant.
Coding change: c.190A>G on transcript NM_153033.5 (MANE Select); coding-DNA position 190, A replaced by G.
Protein change: p.Thr64Ala; replaces threonine 64 with alanine.
Molecular consequence: missense variant.
Genome position (GRCh38, 1-based): chr7:66,633,320, A>G. VCF-style: chr7-66633320-A-G. GRCh37 (hg19) VCF-style: chr7-66098307-A-G.
Other names: p.T64A:ACA>GCA; c.190A>G, p.Thr64Ala (NM_001167961.2); short protein forms T64A.
Identifiers: ClinVar variation 195417 (VCV000195417.67), dbSNP rs201296399, ClinGen allele CA241849.
Genomic context (GRCh38, chr7:66,633,320, plus strand): 5'-GTGATTTCTTTCCAGTTTCCTGAGGTTGTTCCCCTTAACATCGGAGGGGCTCACTTCACT[A>G]CACGCCTGTCCACACTGCGGTGCTACGAAGACACCATGTTGGCAGCCATGTTCAGTGGGC-3'
Protein context (NP_694578.1, residues 54-74): PLNIGGAHFT[Thr64Ala]RLSTLRCYED

ClinVar aggregate classification (germline): Conflicting classifications of pathogenicity. Review status: criteria provided, conflicting classifications (1 of 4 stars). 11 submissions from 11 submitters: Pathogenic (5); Likely pathogenic (3); Uncertain significance (3). Last evaluated 2025-12-01.

Conditions:
KCTD7-related disorder. Also called: KCTD7-related condition.
Inborn genetic diseases. Identifiers: MedGen C0950123, MeSH D030342.
Neuronal ceroid lipofuscinosis. Also called: Neuronal Ceroid Lipofuscinoses. Identifiers: Orphanet 216, Orphanet 79263, MedGen C0027877, MONDO:0016295. Disease mechanism: loss of function.
Progressive myoclonic epilepsy type 3. Also called: EPILEPSY, PROGRESSIVE MYOCLONIC, 3, WITH OR WITHOUT INTRACELLULAR INCLUSIONS; CEROID LIPOFUSCINOSIS, NEURONAL, 14; KCTD7-Related Progressive Myoclonic Epilepsy; EPILEPSY, PROGRESSIVE MYOCLONIC, 3, WITHOUT INTRACELLULAR INCLUSIONS. Identifiers: Orphanet 263516, MedGen C2673257, MONDO:0012721, OMIM 611726.

Allele frequency attached by ClinVar (database versions not stated): gnomAD 0.00005; gnomAD exomes 0.00006 and 0.00011; ExAC 0.00007; TOPMed 0.00010; ESP Exome Variant Server 0.00015.

Submissions (11):

Labcorp Genetics (formerly Invitae), Labcorp
Classification: Pathogenic for Progressive myoclonic epilepsy type 3. Last evaluated: 2025-12-01. Review status: criteria provided, single submitter. Criteria: Invitae Variant Classification Sherloc (09022015). Collection method: clinical testing. Allele origin: germline.
Comment: This sequence change replaces threonine, which is neutral and polar, with alanine, which is neutral and non-polar, at codon 64 of the KCTD7 protein (p.Thr64Ala). This variant is present in population databases (rs201296399, gnomAD 0.01%). This missense change has been observed in individual(s) with clinical features of progressive myoclonic epilepsy (PMID: 26795593, 29056246, 30295347, 32412666). In at least one individual the data is consistent with being in trans (on the opposite chromosome) from a pathogenic variant. ClinVar contains an entry for this variant (Variation ID: 195417). Invitae Evidence Modeling of protein sequence and biophysical properties (such as structural, functional, and spatial information, amino acid conservation, physicochemical variation, residue mobility, and thermodynamic stability) indicates that this missense variant is not expected to disrupt KCTD7 protein function with a negative predictive value of 80%. Experimental studies have shown that this missense change affects KCTD7 function (PMID: 30295347). For these reasons, this variant has been classified as Pathogenic.

GeneDx
Classification: Pathogenic. Last evaluated: 2025-06-25. Review status: criteria provided, single submitter. Criteria: GeneDx Variant Classification Process June 2021. Collection method: clinical testing. Allele origin: germline. Affected: yes.
Comment: Published functional studies suggest this variant affects subcellular localization and alters protein function (PMID: 30295347); Not observed at significant frequency in large population cohorts (gnomAD); In silico analysis supports that this missense variant has a deleterious effect on protein structure/function; This variant is associated with the following publications: (PMID: 27742667, 25533962, 26795593, 22748208, 29056246, 25060828, 30825425, 38231304, 34395220, 30295347, 32412666)

Women's Health and Genetics/Laboratory Corporation of America, LabCorp
Classification: Pathogenic for Neuronal ceroid lipofuscinosis. Last evaluated: 2025-05-23. Review status: criteria provided, single submitter. Criteria: LabCorp Variant Classification Summary - May 2015. Collection method: clinical testing. Allele origin: germline.
Comment: Variant summary: KCTD7 c.190A>G (p.Thr64Ala) results in a non-conservative amino acid change located in the BTB/POZ domain (IPR000210) of the encoded protein sequence. Algorithms developed to predict the effect of missense changes on protein structure and function are either unavailable or do not agree on the potential impact of this missense change. The variant allele was found at a frequency of 5.6e-05 in 251300 control chromosomes. This frequency is not significantly higher than estimated for a pathogenic variant in KCTD7 causing Neuronal Ceroid-Lipofuscinosis (Batten Disease) (5.6e-05 vs 0.00035), allowing no conclusion about variant significance. c.190A>G has been observed in multiple individuals affected with Neuronal Ceroid-Lipofuscinosis (Batten Disease) (DDDS_2014, Helbig_2016, Butler_2017, Metz_2018, Kozina_2020, Mei_2019, Rahman_2021) . These data indicate that the variant is very likely to be associated with disease. At least one publication reports experimental evidence evaluating an impact on protein function. The most pronounced variant effect results in 30%-50% of normal activity. The following publications have been ascertained in the context of this evaluation (PMID: 29056246, 26795593, 32412666, 30825425, 30295347, 34395220, 25533962). ClinVar contains an entry for this variant (Variation ID: 195417). Based on the evidence outlined above, the variant was classified as pathogenic.

Dasa
Classification: Pathogenic. Last evaluated: 2025-04-12. Review status: criteria provided, single submitter. Criteria: DASA Assertion Criteria. Collection method: clinical testing. Allele origin: germline.
Comment: NM_153033.5(KCTD7):c.190A>G (p.Thr64Ala) is a missense variant that results in the substitution of threonine with alanine. This variant has been observed in affected individuals with related phenotype in a genotype context consistent with recessive disease (PMID: 30295347; PMID: 26795593; PMID: 29056246; PMID: 32412666). Functional evidence supports a deleterious effect on the gene or gene product (PMID: 30295347; PMID: 26795593; PMID: 29056246; PMID: 32412666). This variant has been recurrently observed in individuals with related phenotype (PMID: 30295347; PMID: 26795593; PMID: 29056246; PMID: 32412666). Segregation evidence has been reported in affected families. Multiple computational predictions support a deleterious effect on the gene or gene product. The variant is present at low frequency in population datasets. Based on the available data, this variant is classified as pathogenic.

Fulgent Genetics
Classification: Likely pathogenic for Progressive myoclonic epilepsy type 3. Last evaluated: 2024-04-23. Review status: criteria provided, single submitter. Criteria: ACMG Guidelines, 2015. Collection method: clinical testing. Allele origin: germline.

Department of Pathology and Laboratory Medicine, Sinai Health System
Classification: Likely pathogenic for Progressive myoclonic epilepsy type 3. Last evaluated: 2022-08-03. Review status: criteria provided, single submitter. Criteria: ACMG Guidelines, 2015. Collection method: research. Allele origin: germline.

Blueprint Genetics
Classification: Pathogenic for KCTD7-related disorders. Last evaluated: 2022-07-28. Review status: criteria provided, single submitter. Criteria: ACMG Guidelines, 2015. Collection method: clinical testing. Allele origin: germline. Affected: yes. Observed: 5 variant alleles.

Revvity Omics, Revvity
Classification: Uncertain significance for Progressive myoclonic epilepsy type 3. Last evaluated: 2019-05-30. Review status: criteria provided, single submitter. Criteria: ACMG Guidelines, 2015. Collection method: clinical testing. Allele origin: germline.

Ambry Genetics
Classification: Likely pathogenic for Inborn genetic diseases. Last evaluated: 2018-09-06. Review status: criteria provided, single submitter. Criteria: Ambry Variant Classification Scheme 2023. Collection method: clinical testing. Allele origin: germline.
Comment: The p.T64A variant (also known as c.190A>G), located in coding exon 2 of the KCTD7 gene, results from an A to G substitution at nucleotide position 190. The threonine at codon 64 is replaced by alanine, an amino acid with similar properties. This alteration was confirmed in trans with a likely pathogenic alteration in an individual with seizures and developmental regression (Helbig KL et al. Genet. Med., 2016 Sep;18:898-905). This amino acid position is highly conserved in available vertebrate species. In addition, this alteration is predicted to be deleterious by in silico analysis. Based on the majority of available evidence to date, this variant is likely to be pathogenic.

Athena Diagnostics
Classification: Uncertain significance. Last evaluated: 2018-03-14. Review status: criteria provided, single submitter. Criteria: Athena Diagnostics Criteria. Collection method: clinical testing. Allele origin: germline.

Eurofins Ntd Llc (ga)
Classification: Uncertain significance. Last evaluated: 2016-11-07. Review status: criteria provided, single submitter. Criteria: EGL Classification Definitions 2015. Collection method: clinical testing. Allele origin: germline. Observed: 2 variant alleles, 2 heterozygotes.

Literature cited by the submitters: PubMed 26795593 (cited by 4 submitters); PubMed 29056246 (cited by 3 submitters); PubMed 30295347 (cited by 3 submitters); PubMed 32412666 (cited by 3 submitters); PubMed 30825425 (cited by Women's Health and Genetics/Laboratory Corporation of America, LabCorp); PubMed 34395220 (cited by Women's Health and Genetics/Laboratory Corporation of America, LabCorp).